The following is an entry in ClinVar:

NM_006280.3(SSR4):c.463G>A (p.Ala155Thr)

Gene: SSR4 (signal sequence receptor subunit 4; plus strand). Cytogenetic location: Xq28.
Variant type: single nucleotide variant.
Coding change: c.463G>A on transcript NM_006280.3 (MANE Select); coding-DNA position 463, G replaced by A.
Protein change: p.Ala155Thr; replaces alanine 155 with threonine.
Molecular consequence: missense variant. On other transcripts: non-coding transcript variant (1).
Genome position (GRCh38, 1-based): chrX:153,798,374, G>A. VCF-style: chrX-153798374-G-A. GRCh37 (hg19) VCF-style: chrX-153063829-G-A.
Other names: c.463G>A, p.Ala155Thr (NM_001440796.1); c.496G>A, p.Ala166Thr (NM_001204526.2); c.487G>A, p.Ala163Thr (NM_001204527.2); c.544G>A, p.Ala182Thr (NM_001440795.1); short protein forms A163T, A182T, A166T, A155T.
Identifiers: ClinVar variation 4774038 (VCV004774038.1).
Genomic context (GRCh38, chrX:153,798,374, plus strand): 5'-TCTCCTTTTTTTCAGGGCACTTGGAACGGGCCCTGGGTGTCCACTGAGGTGCTGGCTGCG[G>A]CGATCGGCCTTGTGATCTACTACTTGGCCTTCAGTGCGAAGAGCCACATCCAGGCCTGAG-3'
Protein context (NP_006271.1, residues 145-165): PWVSTEVLAA[Ala155Thr]IGLVIYYLAF

ClinVar aggregate classification (germline): Uncertain significance (1 of 4 stars; one submission).

Submission:

Labcorp Genetics (formerly Invitae), Labcorp
Classification: Uncertain significance. Last evaluated: 2025-06-02. Review status: criteria provided, single submitter. Criteria: Invitae Variant Classification Sherloc (09022015). Collection method: clinical testing. Allele origin: germline.
Comment: This sequence change replaces alanine, which is neutral and non-polar, with threonine, which is neutral and polar, at codon 166 of the SSR4 protein (p.Ala166Thr). This variant is not present in population databases (gnomAD no frequency). This variant has not been reported in the literature in individuals affected with SSR4-related conditions. Experimental studies and prediction algorithms are not available or were not evaluated, and the functional significance of this variant is currently unknown. In summary, the available evidence is currently insufficient to determine the role of this variant in disease. Therefore, it has been classified as a Variant of Uncertain Significance.